The following is an entry in ClinVar:

ClinVar aggregate classification (germline): Likely benign. Review status: criteria provided, multiple submitters, no conflicts (2 of 4 stars). 2 submissions from 2 submitters: Likely benign (2). Last evaluated 2026-09-01.

Conditions:
Dilated cardiomyopathy 1G (CMD1G). Identifiers: Orphanet 154, MedGen C1858763, MONDO:0011400, OMIM 604145.
Autosomal recessive limb-girdle muscular dystrophy type 2J (LGMDR10). Also called: MUSCULAR DYSTROPHY, LIMB-GIRDLE, AUTOSOMAL RECESSIVE 10; Limb-girdle muscular dystrophy, type 2J. Identifiers: Orphanet 140922, MedGen C1837342, MONDO:0012127, OMIM 608807.

Submissions (2):

CeGaT Center for Human Genetics Tuebingen
Classification: Likely benign. Last evaluated: 2026-09-01. Review status: criteria provided, single submitter. Criteria: CeGaT Center For Human Genetics Tuebingen Variant Classification Criteria Version 2. Collection method: clinical testing. Allele origin: germline. Affected: yes. Observed: 1 variant allele.
Comment: TTN: PM2:Supporting, BP4, BP7

Labcorp Genetics (formerly Invitae), Labcorp
Classification: Likely benign for Dilated cardiomyopathy 1G; Autosomal recessive limb-girdle muscular dystrophy type 2J. Last evaluated: 2023-12-11. Review status: criteria provided, single submitter. Criteria: Invitae Variant Classification Sherloc (09022015). Collection method: clinical testing. Allele origin: germline.

NM_001267550.2(TTN):c.48267A>T (p.Gly16089=)

Genes: TTN (titin; minus strand), TTN-AS1 (TTN antisense RNA 1; plus strand). Cytogenetic location: 2q31.2.
Variant type: single nucleotide variant.
Coding change: c.48267A>T on transcript NM_001267550.2 (MANE Select); coding-DNA position 48267, A replaced by T.
Protein change: p.Gly16089=; no amino-acid change (glycine 16089 retained).
Molecular consequence: synonymous variant.
Genome position (GRCh38, 1-based): chr2:178,616,524, T>A on the plus strand (A>T on the coding strand, the complement: TTN is on the minus strand). VCF-style: chr2-178616524-T-A. GRCh37 (hg19) VCF-style: chr2-179481251-T-A.
Other names: c.43344A>T, p.Gly14448= (NM_001256850.1); c.21072A>T, p.Gly7024= (NM_003319.4); c.40563A>T, p.Gly13521= (NM_133378.4); c.21447A>T, p.Gly7149= (NM_133432.3); c.21648A>T, p.Gly7216= (NM_133437.4).
Identifiers: ClinVar variation 1567559 (VCV001567559.11), dbSNP rs2154208050, ClinGen allele CA430106550.
Genomic context (GRCh38, chr2:178,616,524, plus strand): 5'-CTGCTCAAAACTCACTTTAGTCCATGTTTTCCGGCTGACTTCTCGTTTTTCAACAACGTA[T>A]CCAGTTAACGGACTTCCTCCATCATCATCAGGTGGTTCCCAAGTCAAATGTACTGAGTCC-3'
Protein context (NP_001254479.2, residues 16079-16099): PDDDGGSPLT[Gly16089=]YVVEKREVSR